The following is an entry in ClinVar:

NM_025137.4(SPG11):c.6788_6789delinsTG (p.Gln2263Leu)

Gene: SPG11 (SPG11 vesicle trafficking associated, spatacsin; minus strand). Cytogenetic location: 15q21.1.
Variant type: Indel.
Coding change: c.6788_6789delinsTG on transcript NM_025137.4 (MANE Select); coding-DNA positions 6788 to 6789, AA replaced by TG.
Protein change: p.Gln2263Leu; replaces glutamine 2263 with leucine.
Molecular consequence: missense variant.
Genome position (GRCh38, 1-based): chr15:44,566,271-44,566,272, TT replaced by CA on the plus strand (AA replaced by TG on the coding strand, the reverse complement: SPG11 is on the minus strand). VCF-style: chr15-44566271-TT-CA. GRCh37 (hg19) VCF-style: chr15-44858469-TT-CA.
Other names: c.6449_6450delinsTG, p.Gln2150Leu (NM_001160227.2); c.6644_6645delAAinsTG, p.Gln2215Leu (NM_001411132.1); short protein forms Q2215L, Q2150L, Q2263L.
Identifiers: ClinVar variation 2186214 (VCV002186214.1), dbSNP rs2505177027, ClinGen allele CA2580089478.

ClinVar aggregate classification (germline): Uncertain significance (1 of 4 stars; one submission).

Conditions:
Hereditary spastic paraplegia 11. Also called: SPASTIC PARAPLEGIA, AUTOSOMAL RECESSIVE, COMPLICATED, WITH THIN CORPUS CALLOSUM; SPASTIC PARAPLEGIA, AUTOSOMAL RECESSIVE, WITH MENTAL IMPAIRMENT AND THIN CORPUS CALLOSUM; Nakamura Osame syndrome; Autosomal recessive hereditary spastic paraplegia, mental impairment, and thin corpus callosum; Spastic paraplegia, mental retardation and thin corpus callosum; Spastic Paraplegia 11. Identifiers: Orphanet 2822, MedGen C1858479, MONDO:0011445, OMIM 604360.

Submission:

Labcorp Genetics (formerly Invitae), Labcorp
Classification: Uncertain significance for Hereditary spastic paraplegia 11. Last evaluated: 2022-08-31. Review status: criteria provided, single submitter. Criteria: Invitae Variant Classification Sherloc (09022015). Collection method: clinical testing. Allele origin: germline.
Comment: This sequence change replaces glutamine, which is neutral and polar, with leucine, which is neutral and non-polar, at codon 2263 of the SPG11 protein (p.Gln2263Leu). Information on the frequency of this variant in the gnomAD database is not available, as this variant may be reported differently in the database. This variant has not been reported in the literature in individuals affected with SPG11-related conditions. Algorithms developed to predict the effect of missense changes on protein structure and function are either unavailable or do not agree on the potential impact of this missense change (SIFT: "Not Available"; PolyPhen-2: "Possibly Damaging"; Align-GVGD: "Not Available"). In summary, the available evidence is currently insufficient to determine the role of this variant in disease. Therefore, it has been classified as a Variant of Uncertain Significance.